The following is an entry in ClinVar:

ClinVar aggregate classification (germline): Uncertain significance (1 of 4 stars; one submission).

Submission:

Labcorp Genetics (formerly Invitae), Labcorp
Classification: Uncertain significance. Last evaluated: 2022-04-04. Review status: criteria provided, single submitter. Criteria: Invitae Variant Classification Sherloc (09022015). Collection method: clinical testing. Allele origin: germline.
Comment: This sequence change replaces arginine, which is basic and polar, with histidine, which is basic and polar, at codon 631 of the ERCC2 protein (p.Arg631His). This variant is present in population databases (rs751084702, gnomAD 0.02%). This variant has not been reported in the literature in individuals affected with ERCC2-related conditions. Algorithms developed to predict the effect of missense changes on protein structure and function are either unavailable or do not agree on the potential impact of this missense change (SIFT: "Deleterious"; PolyPhen-2: "Probably Damaging"; Align-GVGD: "Class C0"). In summary, the available evidence is currently insufficient to determine the role of this variant in disease. Therefore, it has been classified as a Variant of Uncertain Significance.

NM_000400.4(ERCC2):c.1892G>A (p.Arg631His)

Gene: ERCC2 (ERCC excision repair 2, TFIIH core complex helicase subunit; minus strand). Cytogenetic location: 19q13.32.
Variant type: single nucleotide variant.
Coding change: c.1892G>A on transcript NM_000400.4 (MANE Select); coding-DNA position 1892, G replaced by A.
Protein change: p.Arg631His; replaces arginine 631 with histidine.
Molecular consequence: missense variant.
Genome position (GRCh38, 1-based): chr19:45,352,756, C>T on the plus strand (G>A on the coding strand, the complement: ERCC2 is on the minus strand). VCF-style: chr19-45352756-C-T. GRCh37 (hg19) VCF-style: chr19-45856014-C-T.
Other names: short protein forms R631H.
Identifiers: ClinVar variation 2170039 (VCV002170039.1), dbSNP rs751084702, ClinGen allele CA9513010.